The following is an entry in ClinVar:

NM_001206979.2(NR1H4):c.1069C>A (p.Arg357=)

Gene: NR1H4 (nuclear receptor subfamily 1 group H member 4; plus strand). Cytogenetic location: 12q23.1.
Variant type: single nucleotide variant.
Coding change: c.1069C>A on transcript NM_001206979.2 (MANE Select); coding-DNA position 1069, C replaced by A.
Protein change: p.Arg357=; no amino-acid change (arginine 357 retained).
Molecular consequence: synonymous variant. On other transcripts: non-coding transcript variant (1).
Genome position (GRCh38, 1-based): chr12:100,540,809, C>A. VCF-style: chr12-100540809-C-A. GRCh37 (hg19) VCF-style: chr12-100934587-C-A.
Other names: c.1069C>A, p.Arg357= (NM_001206977.2); c.916C>A, p.Arg306= (NM_001206978.2); c.1087C>A, p.Arg363= (NM_001206992.2); c.1099C>A, p.Arg367= (NM_001206993.2); c.1057C>A, p.Arg353= (NM_005123.4).
Identifiers: ClinVar variation 3346372 (VCV003346372.3).
Genomic context (GRCh38, chr12:100,540,809, plus strand): 5'-GCTGAGATTTTCAATAAGAAACTTCCGTCTGGGCATTCTGACCTATTGGAAGAAAGAATT[C>A]GAAATAGTGGTAAGTGATTTGGCTAATGGTAAAAGAGTTTGTTTCTAGGAGTAAAATTGG-3'
Protein context (NP_001193908.1, residues 347-367): GHSDLLEERI[Arg357=]NSGISDEYIT

ClinVar aggregate classification (germline): Likely benign. Review status: criteria provided, single submitter (1 of 4 stars). 2 submissions from 2 submitters: Likely benign (1). 1 of the submissions does not count toward it. Last evaluated 2024-08-02.

Conditions:
NR1H4-related disorder. Also called: NR1H4-related condition.

Submissions (2):

Labcorp Genetics (formerly Invitae), Labcorp
Classification: Likely benign. Last evaluated: 2024-08-02. Review status: criteria provided, single submitter. Criteria: Invitae Variant Classification Sherloc (09022015). Collection method: clinical testing. Allele origin: germline.

PreventionGenetics, part of Exact Sciences
Classification: Likely benign for NR1H4-related condition. Last evaluated: 2024-05-17. Review status: no assertion criteria provided. Collection method: clinical testing. Allele origin: germline. Not counted in ClinVar's aggregate classification.
Comment: This variant is classified as likely benign based on ACMG/AMP sequence variant interpretation guidelines (Richards et al. 2015 PMID: 25741868, with internal and published modifications).